The following is an entry in ClinVar:

NM_133497.4(KCNV2):c.727C>T (p.Arg243Trp)

Gene: KCNV2 (potassium voltage-gated channel modifier subfamily V member 2; plus strand). Cytogenetic location: 9p24.2.
Variant type: single nucleotide variant.
Coding change: c.727C>T on transcript NM_133497.4 (MANE Select); coding-DNA position 727, C replaced by T.
Protein change: p.Arg243Trp; replaces arginine 243 with tryptophan.
Molecular consequence: missense variant.
Genome position (GRCh38, 1-based): chr9:2,718,466, C>T. VCF-style: chr9-2718466-C-T. GRCh37 (hg19) VCF-style: chr9-2718466-C-T.
Other names: short protein forms R243W.
Identifiers: ClinVar variation 2136724 (VCV002136724.6), dbSNP rs143138491, ClinGen allele CA187972811.
Genomic context (GRCh38, chr9:2,718,466, plus strand): 5'-CAGGCGCAGGTCGAGGAGGCGGAGGAACTCTTCCGCGACATGCGCTTCTACGGCCCGCAG[C>T]GGCGCCGCCTCTGGAACCTCATGGAGAAGCCATTCTCCTCGGTGGCCGCCAAGGCCATCG-3'
Protein context (NP_598004.1, residues 233-253): FRDMRFYGPQ[Arg243Trp]RRLWNLMEKP

ClinVar aggregate classification (germline): Conflicting classifications of pathogenicity. Review status: criteria provided, conflicting classifications (1 of 4 stars). 3 submissions from 3 submitters: Likely pathogenic (2); Uncertain significance (1). Last evaluated 2025-09-30.

Conditions:
KCNV2-related disorder. Also called: KCNV2-related condition.
Retinal dystrophy. Also called: Inherited retinal dystrophy. Identifiers: Orphanet 71862, MedGen C0854723, MeSH D058499, MONDO:0019118, HP:0000556.

Allele frequency attached by ClinVar (database versions not stated): ESP Exome Variant Server 0.00008.

Submissions (3):

Labcorp Genetics (formerly Invitae), Labcorp
Classification: Uncertain significance. Last evaluated: 2025-09-30. Review status: criteria provided, single submitter. Criteria: Invitae Variant Classification Sherloc (09022015). Collection method: clinical testing. Allele origin: germline.
Comment: This sequence change replaces arginine, which is basic and polar, with tryptophan, which is neutral and slightly polar, at codon 243 of the KCNV2 protein (p.Arg243Trp). The frequency data for this variant in the population databases is considered unreliable, as metrics indicate poor data quality at this position in the gnomAD database. This missense change has been observed in individual(s) with clinical features of KCNV2-related conditions (PMID: 21882291; internal data). In at least one individual the data is consistent with being in trans (on the opposite chromosome) from a pathogenic variant. ClinVar contains an entry for this variant (Variation ID: 2136724). Invitae Evidence Modeling of protein sequence and biophysical properties (such as structural, functional, and spatial information, amino acid conservation, physicochemical variation, residue mobility, and thermodynamic stability) has been performed for this missense variant. However, the output from this modeling did not meet the statistical confidence thresholds required to predict the impact of this variant on KCNV2 protein function. In summary, the available evidence is currently insufficient to determine the role of this variant in disease. Therefore, it has been classified as a Variant of Uncertain Significance.

Blueprint Genetics
Classification: Likely pathogenic for KCNV2-related disorders. Last evaluated: 2022-09-28. Review status: criteria provided, single submitter. Criteria: ACMG Guidelines, 2015. Collection method: clinical testing. Allele origin: germline. Affected: yes. Observed: 1 variant allele.

Institute of Human Genetics, Univ. Regensburg, Univ. Regensburg
Classification: Likely pathogenic for Retinal dystrophy. Last evaluated: 2018-01-01. Review status: criteria provided, single submitter. Criteria: ACMG Guidelines, 2015. Collection method: clinical testing. Allele origin: germline. Affected: yes.

Literature cited by the submitters: PubMed 21882291 (cited by Labcorp Genetics (formerly Invitae), Labcorp and Institute of Human Genetics, Univ. Regensburg, Univ. Regensburg).